The following is an entry in ClinVar:

NM_031407.7(HUWE1):c.3424C>A (p.Leu1142Met)

Gene: HUWE1 (HECT, UBA and WWE domain containing E3 ubiquitin protein ligase 1; minus strand). Cytogenetic location: Xp11.22.
Variant type: single nucleotide variant.
Coding change: c.3424C>A on transcript NM_031407.7 (MANE Select); coding-DNA position 3424, C replaced by A.
Protein change: p.Leu1142Met; replaces leucine 1142 with methionine.
Molecular consequence: missense variant.
Genome position (GRCh38, 1-based): chrX:53,594,578, G>T on the plus strand (C>A on the coding strand, the complement: HUWE1 is on the minus strand). VCF-style: chrX-53594578-G-T. GRCh37 (hg19) VCF-style: chrX-53621538-G-T.
Other names: short protein forms L1142M.
Identifiers: ClinVar variation 1731296 (VCV001731296.7), dbSNP rs1323838960, ClinGen allele CA413178713.

ClinVar aggregate classification (germline): Uncertain significance. Review status: criteria provided, multiple submitters, no conflicts (2 of 4 stars). 2 submissions from 2 submitters: Uncertain significance (2). Last evaluated 2022-05-19.

Conditions:
Inborn genetic diseases. Identifiers: MedGen C0950123, MeSH D030342.

Allele frequency attached by ClinVar (database versions not stated): gnomAD exomes 0.00001; TOPMed 0.00001; gnomAD 0.00002.
gnomAD v4.1: 8 of 1,208,081 alleles (0.00066%); highest among the groups gnomAD compares: Non-Finnish European, 0.0009%; no homozygotes.

Submissions (2):

Labcorp Genetics (formerly Invitae), Labcorp
Classification: Uncertain significance. Last evaluated: 2022-05-19. Review status: criteria provided, single submitter. Criteria: Invitae Variant Classification Sherloc (09022015). Collection method: clinical testing. Allele origin: germline.
Comment: Advanced modeling of protein sequence and biophysical properties (such as structural, functional, and spatial information, amino acid conservation, physicochemical variation, residue mobility, and thermodynamic stability) performed at Invitae indicates that this missense variant is expected to disrupt HUWE1 protein function. In summary, the available evidence is currently insufficient to determine the role of this variant in disease. Therefore, it has been classified as a Variant of Uncertain Significance. This variant has not been reported in the literature in individuals affected with HUWE1-related conditions. This variant is not present in population databases (gnomAD no frequency). This sequence change replaces leucine, which is neutral and non-polar, with methionine, which is neutral and non-polar, at codon 1142 of the HUWE1 protein (p.Leu1142Met).

Ambry Genetics
Classification: Uncertain significance for Inborn genetic diseases. Last evaluated: 2020-03-27. Review status: criteria provided, single submitter. Criteria: Ambry Variant Classification Scheme 2023. Collection method: clinical testing. Allele origin: germline.
Comment: The p.L1142M variant (also known as c.3424C>A), located in coding exon 28 of the HUWE1 gene, results from a C to A substitution at nucleotide position 3424. The leucine at codon 1142 is replaced by methionine, an amino acid with highly similar properties. This amino acid position is highly conserved in available vertebrate species. In addition, the in silico prediction for this alteration is inconclusive. Since supporting evidence is limited at this time, the clinical significance of this alteration remains unclear.